The following is an entry in ClinVar:

NM_016648.4(LARP7):c.871A>G (p.Arg291Gly)

Genes: LARP7 (La ribonucleoprotein 7, transcriptional regulator; plus strand), MIR302CHG (miR-302/367 cluster host gene; minus strand). Cytogenetic location: 4q25.
Variant type: single nucleotide variant.
Coding change: c.871A>G on transcript NM_016648.4 (MANE Select); coding-DNA position 871, A replaced by G.
Protein change: p.Arg291Gly; replaces arginine 291 with glycine.
Molecular consequence: missense variant. On other transcripts: non-coding transcript variant (1).
Genome position (GRCh38, 1-based): chr4:112,647,423, A>G. VCF-style: chr4-112647423-A-G. GRCh37 (hg19) VCF-style: chr4-113568579-A-G.
Other names: c.871A>G, p.Arg291Gly (NM_001267039.4, NM_001370974.1, NM_001370975.1 and 2 more transcripts); c.868A>G, p.Arg290Gly (NM_001370976.1, NM_001370977.1, NM_001370979.1 and 1 more transcripts); c.634A>G, p.Arg212Gly (NM_001370981.1, NM_001370982.1); c.871A>G (NM_016648.2); short protein forms R291G, R212G, R290G.
Identifiers: ClinVar variation 2064368 (VCV002064368.3), dbSNP rs770950781, ClinGen allele CA3049290.
Genomic context (GRCh38, chr4:112,647,423, plus strand): 5'-CAGTGCTCAAAGAAAAAGAAAAAACGGGACAGAGTTGAAGCATCTAGCTTACCTGAAGTC[A>G]GAACAGGGAAGAGGAAGAGAAGCAGCTCTGAAGATGCAGAATCCCTAGCTCCCCGATCAA-3'
Protein context (NP_057732.2, residues 281-301): RVEASSLPEV[Arg291Gly]TGKRKRSSSE

ClinVar aggregate classification (germline): Uncertain significance. Review status: criteria provided, multiple submitters, no conflicts (2 of 4 stars). 2 submissions from 2 submitters: Uncertain significance (2). Last evaluated 2024-07-15.

Conditions:
Inborn genetic diseases. Identifiers: MedGen C0950123, MeSH D030342.

Allele frequency attached by ClinVar (database versions not stated): gnomAD 0.00001; gnomAD exomes 0.00001; TOPMed 0.00003; ExAC 0.00004.
gnomAD v4.1: 15 of 1,614,162 alleles (0.00093%); highest among the groups gnomAD compares: East Asian, 0.02%; no homozygotes.

Submissions (2):

Labcorp Genetics (formerly Invitae), Labcorp
Classification: Uncertain significance. Last evaluated: 2024-07-15. Review status: criteria provided, single submitter. Criteria: Invitae Variant Classification Sherloc (09022015). Collection method: clinical testing. Allele origin: germline.
Comment: This sequence change replaces arginine, which is basic and polar, with glycine, which is neutral and non-polar, at codon 291 of the LARP7 protein (p.Arg291Gly). This variant is present in population databases (rs770950781, gnomAD 0.08%). This variant has not been reported in the literature in individuals affected with LARP7-related conditions. ClinVar contains an entry for this variant (Variation ID: 2064368). Advanced modeling of protein sequence and biophysical properties (such as structural, functional, and spatial information, amino acid conservation, physicochemical variation, residue mobility, and thermodynamic stability) performed at Invitae indicates that this missense variant is not expected to disrupt LARP7 protein function with a negative predictive value of 80%. In summary, the available evidence is currently insufficient to determine the role of this variant in disease. Therefore, it has been classified as a Variant of Uncertain Significance.

Ambry Genetics
Classification: Uncertain significance for Inborn genetic diseases. Last evaluated: 2023-09-23. Review status: criteria provided, single submitter. Criteria: Ambry Variant Classification Scheme 2023. Collection method: clinical testing. Allele origin: germline.